The following is an entry in ClinVar:

NM_001440.4(EXTL3):c.1304C>T (p.Thr435Ile)

Gene: EXTL3 (exostosin like glycosyltransferase 3; plus strand). Cytogenetic location: 8p21.1.
Variant type: single nucleotide variant.
Coding change: c.1304C>T on transcript NM_001440.4 (MANE Select); coding-DNA position 1304, C replaced by T.
Protein change: p.Thr435Ile; replaces threonine 435 with isoleucine.
Molecular consequence: missense variant.
Genome position (GRCh38, 1-based): chr8:28,717,363, C>T. VCF-style: chr8-28717363-C-T. GRCh37 (hg19) VCF-style: chr8-28574880-C-T.
Other names: short protein forms T435I.
Identifiers: ClinVar variation 1372776 (VCV001372776.5), dbSNP rs1801180825, ClinGen allele CA370859170.
Genomic context (GRCh38, chr8:28,717,363, plus strand): 5'-GTGGAGAGCGGGAGGACCGCTTGGAATTGCTGAAGCTCTCCACCTTCGCCCTCATCATTA[C>T]CCCCGGGGACCCTCGCTTGGTTATTTCCTCTGGGTGTGCAACACGGCTCTTCGAAGCCCT-3'
Protein context (NP_001431.1, residues 425-445): LKLSTFALII[Thr435Ile]PGDPRLVISS

ClinVar aggregate classification (germline): Uncertain significance (1 of 4 stars; one submission).

gnomAD v4.1: 5 of 1,614,194 alleles (0.00031%); highest among the groups gnomAD compares: African/African-American, 0.0027%; no homozygotes.

Submission:

Labcorp Genetics (formerly Invitae), Labcorp
Classification: Uncertain significance. Last evaluated: 2024-02-24. Review status: criteria provided, single submitter. Criteria: Invitae Variant Classification Sherloc (09022015). Collection method: clinical testing. Allele origin: germline.
Comment: This sequence change replaces threonine, which is neutral and polar, with isoleucine, which is neutral and non-polar, at codon 435 of the EXTL3 protein (p.Thr435Ile). This variant is not present in population databases (gnomAD no frequency). This variant has not been reported in the literature in individuals affected with EXTL3-related conditions. ClinVar contains an entry for this variant (Variation ID: 1372776). Advanced modeling of protein sequence and biophysical properties (such as structural, functional, and spatial information, amino acid conservation, physicochemical variation, residue mobility, and thermodynamic stability) performed at Invitae indicates that this missense variant is not expected to disrupt EXTL3 protein function with a negative predictive value of 80%. In summary, the available evidence is currently insufficient to determine the role of this variant in disease. Therefore, it has been classified as a Variant of Uncertain Significance.